The following is an entry in ClinVar:

NM_000944.5(PPP3CA):c.1479C>A (p.Asp493Glu)

Gene: PPP3CA (protein phosphatase 3 catalytic subunit alpha; minus strand). Cytogenetic location: 4q24.
Variant type: single nucleotide variant.
Coding change: c.1479C>A on transcript NM_000944.5 (MANE Select); coding-DNA position 1479, C replaced by A.
Protein change: p.Asp493Glu; replaces aspartic acid 493 with glutamic acid.
Molecular consequence: missense variant.
Genome position (GRCh38, 1-based): chr4:101,025,952, G>T on the plus strand (C>A on the coding strand, the complement: PPP3CA is on the minus strand). VCF-style: chr4-101025952-G-T. GRCh37 (hg19) VCF-style: chr4-101947109-G-T.
Other names: c.1449C>A, p.Asp483Glu (NM_001130691.2); c.1323C>A, p.Asp441Glu (NM_001130692.2); short protein forms D483E, D441E, D493E.
Identifiers: ClinVar variation 3658105 (VCV003658105.2).

ClinVar aggregate classification (germline): Uncertain significance (1 of 4 stars; one submission).

Submission:

Labcorp Genetics (formerly Invitae), Labcorp
Classification: Uncertain significance. Last evaluated: 2024-08-02. Review status: criteria provided, single submitter. Criteria: Invitae Variant Classification Sherloc (09022015). Collection method: clinical testing. Allele origin: germline.
Comment: This sequence change replaces aspartic acid, which is acidic and polar, with glutamic acid, which is acidic and polar, at codon 493 of the PPP3CA protein (p.Asp493Glu). This variant is not present in population databases (gnomAD no frequency). This variant has not been reported in the literature in individuals affected with PPP3CA-related conditions. An algorithm developed to predict the effect of missense changes on protein structure and function (PolyPhen-2) suggests that this variant is likely to be tolerated. In summary, the available evidence is currently insufficient to determine the role of this variant in disease. Therefore, it has been classified as a Variant of Uncertain Significance.